The following is an entry in ClinVar:

ClinVar aggregate classification (germline): Pathogenic (0 of 4 stars; one submission).

Conditions:
Cholestanol storage disease (CTX). Also called: CEREBRAL CHOLESTERINOSIS; Cerebrotendinous Xanthomatosis; CTX: Cerebrotendinous xanthomatosis. Identifiers: Orphanet 909, MedGen C0238052, MONDO:0008948, OMIM 213700.

Submission:

GeneReviews
Classification: Pathogenic for Cerebrotendinous Xanthomatosis. Last evaluated: 2013-08-01. Review status: no assertion criteria provided. Collection method: curation. Allele origin: unknown.
ClinVar note: Converted during submission from pathologic to Pathogenic.

NM_000784.4(CYP27A1):c.399G>A (p.Trp133Ter)

Gene: CYP27A1 (cytochrome P450 family 27 subfamily A member 1; plus strand). Cytogenetic location: 2q35.
Variant type: single nucleotide variant.
Coding change: c.399G>A on transcript NM_000784.4 (MANE Select); coding-DNA position 399, G replaced by A.
Protein change: p.Trp133Ter; replaces tryptophan 133 with a stop codon.
Molecular consequence: nonsense.
Genome position (GRCh38, 1-based): chr2:218,809,720, G>A. VCF-style: chr2-218809720-G-A. GRCh37 (hg19) VCF-style: chr2-219674443-G-A.
Other names: short protein forms W133*.
Identifiers: ClinVar variation 65999 (VCV000065999.3), dbSNP rs1160640803, ClinGen allele CA350583559.